The following is an entry in ClinVar:

ClinVar aggregate classification (germline): Uncertain significance (1 of 4 stars; one submission).

Submission:

Labcorp Genetics (formerly Invitae), Labcorp
Classification: Uncertain significance. Last evaluated: 2022-08-09. Review status: criteria provided, single submitter. Criteria: Invitae Variant Classification Sherloc (09022015). Collection method: clinical testing. Allele origin: germline.
Comment: In summary, the available evidence is currently insufficient to determine the role of this variant in disease. Therefore, it has been classified as a Variant of Uncertain Significance. Algorithms developed to predict the effect of missense changes on protein structure and function (SIFT, PolyPhen-2, Align-GVGD) all suggest that this variant is likely to be disruptive. This variant has not been reported in the literature in individuals affected with EMC1-related conditions. This variant is not present in population databases (gnomAD no frequency). This sequence change replaces tyrosine, which is neutral and polar, with serine, which is neutral and polar, at codon 838 of the EMC1 protein (p.Tyr838Ser).

NM_015047.3(EMC1):c.2513A>C (p.Tyr838Ser)

Genes: EMC1 (ER membrane protein complex subunit 1; minus strand), EMC1-AS1 (EMC1 antisense RNA 1; plus strand). Cytogenetic location: 1p36.13.
Variant type: single nucleotide variant.
Coding change: c.2513A>C on transcript NM_015047.3 (MANE Select); coding-DNA position 2513, A replaced by C.
Protein change: p.Tyr838Ser; replaces tyrosine 838 with serine.
Molecular consequence: missense variant.
Genome position (GRCh38, 1-based): chr1:19,222,698, T>G on the plus strand (A>C on the coding strand, the complement: EMC1 is on the minus strand). VCF-style: chr1-19222698-T-G. GRCh37 (hg19) VCF-style: chr1-19549192-T-G.
Other names: c.2510A>C, p.Tyr837Ser (NM_001271427.2, NM_001271428.2); c.2447A>C, p.Tyr816Ser (NM_001271429.2); c.2522A>C, p.Tyr841Ser (NM_001375820.1); c.2519A>C, p.Tyr840Ser (NM_001375821.1); short protein forms Y816S, Y837S, Y838S, Y840S, Y841S.
Identifiers: ClinVar variation 1715952 (VCV001715952.5), dbSNP rs776468170, ClinGen allele CA338754044.